The following is an entry in ClinVar:

ClinVar aggregate classification (germline): Uncertain significance. Review status: criteria provided, multiple submitters, no conflicts (2 of 4 stars). 2 submissions from 2 submitters: Uncertain significance (2). Last evaluated 2025-10-28.

Conditions:
Inborn genetic diseases. Identifiers: MedGen C0950123, MeSH D030342.

Allele frequency attached by ClinVar (database versions not stated): ExAC 0.00001; gnomAD 0.00001; ESP Exome Variant Server 0.00008.

Submissions (2):

Ambry Genetics
Classification: Uncertain significance for Inborn genetic diseases. Last evaluated: 2025-10-28. Review status: criteria provided, single submitter. Criteria: Ambry Variant Classification Scheme 2023. Collection method: clinical testing. Allele origin: germline.

Labcorp Genetics (formerly Invitae), Labcorp
Classification: Uncertain significance. Last evaluated: 2022-08-15. Review status: criteria provided, single submitter. Criteria: Invitae Variant Classification Sherloc (09022015). Collection method: clinical testing. Allele origin: germline.
Comment: This variant is present in population databases (rs374159003, gnomAD 0.006%). In summary, the available evidence is currently insufficient to determine the role of this variant in disease. Therefore, it has been classified as a Variant of Uncertain Significance. Algorithms developed to predict the effect of missense changes on protein structure and function output the following: SIFT: "Tolerated"; PolyPhen-2: "Benign"; Align-GVGD: "Class C0". The threonine amino acid residue is found in multiple mammalian species, which suggests that this missense change does not adversely affect protein function. This variant has not been reported in the literature in individuals affected with CFH-related conditions. This sequence change replaces alanine, which is neutral and non-polar, with threonine, which is neutral and polar, at codon 421 of the CFH protein (p.Ala421Thr).

NM_000186.4(CFH):c.1261G>A (p.Ala421Thr)

Gene: CFH (complement factor H; plus strand). Cytogenetic location: 1q31.3.
Variant type: single nucleotide variant.
Coding change: c.1261G>A on transcript NM_000186.4 (MANE Select); coding-DNA position 1261, G replaced by A.
Protein change: p.Ala421Thr; replaces alanine 421 with threonine.
Molecular consequence: missense variant.
Genome position (GRCh38, 1-based): chr1:196,690,164, G>A. VCF-style: chr1-196690164-G-A. GRCh37 (hg19) VCF-style: chr1-196659294-G-A.
Other names: c.1261G>A, p.Ala421Thr (NM_001014975.3); short protein forms A421T.
Identifiers: ClinVar variation 2107927 (VCV002107927.5), dbSNP rs374159003, ClinGen allele CA1305293.